The following is an entry in ClinVar:

ClinVar aggregate classification (germline): Pathogenic. Review status: criteria provided, single submitter (1 of 4 stars). 2 submissions from 2 submitters: Pathogenic (1). 1 of the submissions does not count toward it. Last evaluated 2024-03-01.

Conditions:
Myopathy, reducing body, X-linked, early-onset, severe (RBMX1A). Also called: REDUCING BODY MYOPATHY, X-LINKED 1, SEVERE, WITH INFANTILE OR EARLY CHILDHOOD ONSET. Identifiers: Orphanet 97239, MedGen C4225423, MONDO:0010414, OMIM 300717.
Centronuclear myopathy (CNM). Also called: Centronuclear myopathy, congenital; Myotubular myopathy. Identifiers: Orphanet 595, MedGen C0175709, MONDO:0018947. Inheritance: All.

Submissions (2):

Muscle and Diseases Team, Institut de Génétique et Biologie Moléculaire et Cellulaire
Classification: Pathogenic for Centronuclear myopathy. Last evaluated: 2024-03-01. Review status: criteria provided, single submitter. Criteria: ACMG Guidelines, 2015. Collection method: research. Allele origin: maternal. Affected: yes. Observed: 1 variant allele.
Comment: PS1+PM1+PM2+PP3+PP4+PP5

OMIM
Classification: Pathogenic for REDUCING BODY MYOPATHY, X-LINKED 1, SEVERE, WITH INFANTILE OR EARLY CHILDHOOD ONSET. Last evaluated: 2008-03-01. Review status: no assertion criteria provided. Collection method: literature only. Allele origin: germline. Not counted in ClinVar's aggregate classification.

Literature cited by the submitters: DOI 10.1186/s13073-024-01353-0 (cited by Muscle and Diseases Team, Institut de Génétique et Biologie Moléculaire et Cellulaire); PubMed 18274675 (cited by OMIM).

NM_001159699.2(FHL1):c.443G>T (p.Cys148Phe)

Gene: FHL1 (four and a half LIM domains 1; plus strand). Cytogenetic location: Xq26.3.
Variant type: single nucleotide variant.
Coding change: c.443G>T on transcript NM_001159699.2 (MANE Select); coding-DNA position 443, G replaced by T.
Protein change: p.Cys148Phe; replaces cysteine 148 with phenylalanine.
Molecular consequence: missense variant. On other transcripts: non-coding transcript variant (1).
Genome position (GRCh38, 1-based): chrX:136,207,855, G>T. VCF-style: chrX-136207855-G-T. GRCh37 (hg19) VCF-style: chrX-135290014-G-T.
Other names: c.395G>T, p.Cys132Phe (NM_001159700.2, NM_001159702.3, NM_001159703.2 and 9 more transcripts); c.482G>T, p.Cys161Phe (NM_001159701.2); c.443G>T, p.Cys148Phe (NM_001330659.2); short protein forms C132F, C148F, C161F.
Identifiers: ClinVar variation 11551 (VCV000011551.3), dbSNP rs122458143, ClinGen allele CA121546.